The following is an entry in ClinVar:

NM_001386678.1(ACAT1):c.120+2267_120+2268del

Gene: ACAT1 (acetyl-CoA acetyltransferase 1; plus strand). Cytogenetic location: 11q22.3.
Variant type: Deletion.
Coding change: c.120+2267_120+2268del on transcript NM_001386678.1; bases 2267 to 2268 of the intron after coding-DNA position 120, 2 bases deleted (GG; older notation c.120+2267_120+2268delGG).
Molecular consequence: intron variant.
Genome position (GRCh38, 1-based): chr11:108,134,221-108,134,222, GG deleted; deleting any 2 consecutive bases within chr11:108,134,220-108,134,222 gives the same sequence; the c. name uses the placement nearest the transcript's 3' end. VCF-style (leftmost placement, unchanged base first): chr11-108134219-AGG-A. GRCh37 (hg19) VCF-style: chr11-108004946-AGG-A.
Identifiers: ClinVar variation 2169323 (VCV002169323.3), dbSNP rs749376259, ClinGen allele CA6263064.

ClinVar aggregate classification (germline): Pathogenic (1 of 4 stars; one submission).

Conditions:
Deficiency of acetyl-CoA acetyltransferase. Also called: Beta-ketothiolase deficiency; 3-KETOTHIOLASE DEFICIENCY; 3-OXOTHIOLASE DEFICIENCY; MITOCHONDRIAL ACETOACETYL-CoA THIOLASE DEFICIENCY. Identifiers: Orphanet 134, MedGen C1536500, MONDO:0008760, OMIM 203750. Disease mechanism: loss of function.

Submission:

Labcorp Genetics (formerly Invitae), Labcorp
Classification: Pathogenic for Deficiency of acetyl-CoA acetyltransferase. Last evaluated: 2022-07-10. Review status: criteria provided, single submitter. Criteria: Invitae Variant Classification Sherloc (09022015). Collection method: clinical testing. Allele origin: germline.
Comment: For these reasons, this variant has been classified as Pathogenic. Algorithms developed to predict the effect of sequence changes on RNA splicing suggest that this variant may disrupt the consensus splice site. This variant has not been reported in the literature in individuals affected with ACAT1-related conditions. This variant is present in population databases (rs749376259, gnomAD 0.0009%). This sequence change creates a premature translational stop signal (p.Gly80Aspfs*13) in the ACAT1 gene. It is expected to result in an absent or disrupted protein product. Loss-of-function variants in ACAT1 are known to be pathogenic (PMID: 7749408).

Literature cited by the submitters: PubMed 7749408.